The following is an entry in ClinVar:

ClinVar aggregate classification (germline): Uncertain significance (1 of 4 stars; one submission).

Conditions:
Autosomal dominant nocturnal frontal lobe epilepsy 5. Also called: Epilepsy, nocturnal frontal lobe, 5; CILIARY DYSKINESIA, PRIMARY, 28, WITHOUT SITUS INVERSUS; CILIARY DYSKINESIA, PRIMARY, 28, WITH SITUS INVERSUS; KCNT1-Related Epilepsy. Identifiers: Orphanet 98784, MedGen C3554306, MONDO:0014002, OMIM 615005.
Developmental and epileptic encephalopathy, 14 (DEE14). Also called: Early infantile epileptic encephalopathy 14. Identifiers: Orphanet 293181, MedGen C3554195, MONDO:0013989, OMIM 614959.

Allele frequency attached by ClinVar (database versions not stated): TOPMed 0.00001; ExAC 0.00002; gnomAD exomes 0.00002.
gnomAD v4.1: 24 of 1,605,864 alleles (0.0015%); highest among the groups gnomAD compares: South Asian, 0.0044%; no homozygotes.

Submission:

Labcorp Genetics (formerly Invitae), Labcorp
Classification: Uncertain significance for Autosomal dominant nocturnal frontal lobe epilepsy 5; Developmental and epileptic encephalopathy, 14. Last evaluated: 2022-01-11. Review status: criteria provided, single submitter. Criteria: Invitae Variant Classification Sherloc (09022015). Collection method: clinical testing. Allele origin: germline.
Comment: Algorithms developed to predict the effect of missense changes on protein structure and function are either unavailable or do not agree on the potential impact of this missense change (SIFT: "Deleterious"; PolyPhen-2: "Possibly Damaging"; Align-GVGD: "Class C0"). In summary, the available evidence is currently insufficient to determine the role of this variant in disease. Therefore, it has been classified as a Variant of Uncertain Significance. ClinVar contains an entry for this variant (Variation ID: 572792). This variant has not been reported in the literature in individuals affected with KCNT1-related conditions. This variant is present in population databases (rs771068120, gnomAD 0.007%). This sequence change replaces arginine, which is basic and polar, with cysteine, which is neutral and slightly polar, at codon 1230 of the KCNT1 protein (p.Arg1230Cys).

NM_020822.3(KCNT1):c.3688C>T (p.Arg1230Cys)

Gene: KCNT1 (potassium sodium-activated channel subfamily T member 1; plus strand). Cytogenetic location: 9q34.3.
Variant type: single nucleotide variant.
Coding change: c.3688C>T on transcript NM_020822.3 (MANE Select); coding-DNA position 3688, C replaced by T.
Protein change: p.Arg1230Cys; replaces arginine 1230 with cysteine.
Molecular consequence: missense variant.
Genome position (GRCh38, 1-based): chr9:135,792,141, C>T. VCF-style: chr9-135792141-C-T. GRCh37 (hg19) VCF-style: chr9-138683987-C-T.
Other names: c.3616C>T, p.Arg1206Cys (NM_001272003.2); short protein forms R1230C, R1206C.
Identifiers: ClinVar variation 572792 (VCV000572792.10), dbSNP rs771068120, ClinGen allele CA5328022.